The following is an entry in ClinVar:

ClinVar aggregate classification (germline): Pathogenic (1 of 4 stars; one submission).

Submission:

Labcorp Genetics (formerly Invitae), Labcorp
Classification: Pathogenic. Last evaluated: 2025-05-26. Review status: criteria provided, single submitter. Criteria: Invitae Variant Classification Sherloc (09022015). Collection method: clinical testing. Allele origin: germline.
Comment: This sequence change creates a premature translational stop signal (p.Ser1105Glnfs*22) in the WDR62 gene. It is expected to result in an absent or disrupted protein product. Loss-of-function variants in WDR62 are known to be pathogenic (PMID: 20729831). This variant is present in population databases (no rsID available, gnomAD 0.007%). This variant has not been reported in the literature in individuals affected with WDR62-related conditions. For these reasons, this variant has been classified as Pathogenic.

Literature cited by the submitters: PubMed 20729831.

NM_001083961.2(WDR62):c.3312del (p.Ser1105fs)

Gene: WDR62 (WD repeat domain 62; plus strand). Cytogenetic location: 19q13.12.
Variant type: Deletion.
Coding change: c.3312del on transcript NM_001083961.2 (MANE Select); coding-DNA position 3312, one base deleted (C; older notation c.3312delC).
Protein change: p.Ser1105fs; shifts the reading frame from serine 1105.
Molecular consequence: frameshift variant.
Genome position (GRCh38, 1-based): chr19:36,102,828, C deleted. VCF-style (leftmost placement, unchanged base first): chr19-36102827-TC-T. GRCh37 (hg19) VCF-style: chr19-36593729-TC-T.
Other names: c.3297del, p.Ser1100fs (NM_001411145.1, NM_173636.5); c.3063del, p.Ser1022fs (NM_001411146.1); c.2961del, p.Ser988fs (NM_001411147.1); short protein forms S1105fs, S1022fs, S1100fs, S988fs.
Identifiers: ClinVar variation 4776045 (VCV004776045.1).